The following is an entry in ClinVar:

ClinVar aggregate classification (germline): Pathogenic (1 of 4 stars; one submission).

Conditions:
Galactosylceramide beta-galactosidase deficiency. Also called: GALC DEFICIENCY; GLOBOID CELL LEUKOENCEPHALOPATHY; Krabbe Disease; Leukodystrophy, Globoid Cell; GALACTOCEREBROSIDASE DEFICIENCY. Identifiers: Orphanet 487, MedGen C0023521, MONDO:0009499, OMIM 245200.

Submission:

Labcorp Genetics (formerly Invitae), Labcorp
Classification: Pathogenic for Galactosylceramide beta-galactosidase deficiency. Last evaluated: 2023-04-12. Review status: criteria provided, single submitter. Criteria: Invitae Variant Classification Sherloc (09022015). Collection method: clinical testing. Allele origin: germline.
Comment: This variant has not been reported in the literature in individuals affected with GALC-related conditions. For these reasons, this variant has been classified as Pathogenic. This variant is not present in population databases (gnomAD no frequency). This sequence change creates a premature translational stop signal (p.Tyr78Serfs*10) in the GALC gene. It is expected to result in an absent or disrupted protein product. Loss-of-function variants in GALC are known to be pathogenic (PMID: 7437911, 9272171, 16607461).

Literature cited by the submitters: PubMed 7437911; PubMed 9272171; PubMed 16607461.

NM_000153.4(GALC):c.231_232del (p.Tyr78fs)

Gene: GALC (galactosylceramidase; minus strand). Cytogenetic location: 14q31.3.
Variant type: Deletion.
Coding change: c.231_232del on transcript NM_000153.4 (MANE Select); coding-DNA positions 231 to 232, 2 bases deleted (CT; older notation c.231_232delCT).
Protein change: p.Tyr78fs; shifts the reading frame from tyrosine 78.
Molecular consequence: frameshift variant. On other transcripts: 5 prime UTR variant (4), non-coding transcript variant (1), intron variant (1).
Genome position (GRCh38, 1-based): chr14:87,988,487-87,988,488, AG deleted on the plus strand (CT on the coding strand, the reverse complement: GALC is on the minus strand). VCF-style (leftmost placement, unchanged base first): chr14-87988486-TAG-T. GRCh37 (hg19) VCF-style: chr14-88454830-TAG-T.
Other names: c.153_154del, p.Tyr52fs (NM_001201402.2); c.63_64del, p.Tyr22fs (NM_001424071.1, NM_001424072.1, NM_001424073.1); c.-118_-117del (NM_001424074.1); c.-206_-205del (NM_001424075.1); c.-437_-436del (NM_001424076.1, NM_001424077.1); c.196-281_196-280del (NM_001201401.2); short protein forms Y52fs, Y78fs, Y22fs.
Identifiers: ClinVar variation 2855314 (VCV002855314.3), dbSNP rs2503528244, ClinGen allele CA2739278036.